The following is an entry in ClinVar:

ClinVar aggregate classification (germline): Benign. Review status: criteria provided, multiple submitters, no conflicts (2 of 4 stars). 2 submissions from 2 submitters: Benign (2). Last evaluated 2018-06-19.

Allele frequency attached by ClinVar (database versions not stated): gnomAD 0.04904 and 0.05257; 1000 Genomes Project 0.05351; TOPMed 0.05616; 1000 Genomes Project 30x 0.05653.
gnomAD v4.1: 12,133 of 936,272 alleles (1.3%); highest among the groups gnomAD compares: African/African-American, 17%; 921 homozygotes.

Submissions (2):

GeneDx
Classification: Benign. Last evaluated: 2018-06-19. Review status: criteria provided, single submitter. Criteria: GeneDx Variant Classification (06012015). Collection method: clinical testing. Allele origin: germline. Affected: yes.
Comment: This variant is considered likely benign or benign based on one or more of the following criteria: it is a conservative change, it occurs at a poorly conserved position in the protein, it is predicted to be benign by multiple in silico algorithms, and/or has population frequency not consistent with disease.

Breakthrough Genomics
Classification: Benign. Review status: criteria provided, single submitter. Criteria: ACMG Guidelines, 2015. Collection method: not provided. Allele origin: germline. Inheritance: Unknown mechanism. Affected: yes.

NM_018006.5(TRMU):c.772+143G>A

Gene: TRMU (tRNA mitochondrial 2-thiouridylase; plus strand). Cytogenetic location: 22q13.31.
Variant type: single nucleotide variant.
Coding change: c.772+143G>A on transcript NM_018006.5 (MANE Select); 143 bases into the intron after coding-DNA position 772, G replaced by A.
Molecular consequence: intron variant.
Genome position (GRCh38, 1-based): chr22:46,352,473, G>A. VCF-style: chr22-46352473-G-A. GRCh37 (hg19) VCF-style: chr22-46748370-G-A.
Other names: c.772+143G>A (NM_001282785.2); c.430+143G>A (NM_001282782.2); c.352+143G>A (NM_001282783.2, NM_001282784.2).
Identifiers: ClinVar variation 675588 (VCV000675588.2), dbSNP rs6008771, ClinGen allele CA325176116.